The following is an entry in ClinVar:

ClinVar aggregate classification (germline): Conflicting classifications of pathogenicity. Review status: criteria provided, conflicting classifications (1 of 4 stars). 4 submissions from 4 submitters: Uncertain significance (1); Benign (1); Likely benign (2). Last evaluated 2026-01-07.

Conditions:
Ulnar-mammary syndrome (UMS). Also called: Ulnar-mammary syndrome of Pallister; PALLISTER ULNAR-MAMMARY SYNDROME; SCHINZEL SYNDROME. Identifiers: Orphanet 3138, MedGen C1866994, MONDO:0008411, OMIM 181450.

Allele frequency attached by ClinVar (database versions not stated): gnomAD exomes 0.00012 and 0.00023; 1000 Genomes Project 30x 0.00016; 1000 Genomes Project 0.00020; gnomAD 0.00021 and 0.00022; ExAC 0.00030; ESP Exome Variant Server 0.00031; TOPMed 0.00032.

Submissions (4):

Labcorp Genetics (formerly Invitae), Labcorp
Classification: Likely benign for Ulnar-mammary syndrome. Last evaluated: 2026-01-07. Review status: criteria provided, single submitter. Criteria: Invitae Variant Classification Sherloc (09022015). Collection method: clinical testing. Allele origin: germline.

Blueprint Genetics
Classification: Likely benign. Last evaluated: 2024-08-21. Review status: criteria provided, single submitter. Criteria: ACMG Guidelines, 2015. Collection method: clinical testing. Allele origin: germline.

Illumina Laboratory Services, Illumina
Classification: Benign for Ulnar-mammary syndrome. Last evaluated: 2018-01-12. Review status: criteria provided, single submitter. Criteria: ICSL Variant Classification Criteria 13 December 2019. Collection method: clinical testing. Allele origin: germline.
Comment: This variant was observed in the ICSL laboratory as part of a predisposition screen in an ostensibly healthy population. It had not been previously curated by ICSL or reported in the Human Gene Mutation Database (HGMD: prior to June 1st, 2018), and was therefore a candidate for classification through an automated scoring system. Utilizing variant allele frequency, disease prevalence and penetrance estimates, and inheritance mode, an automated score was calculated to assess if this variant is too frequent to cause the disease. Based on the score and internal cut-off values, a variant classified as benign is not then subjected to further curation. The score for this variant resulted in a classification of benign for this disease.

Eurofins Ntd Llc (ga)
Classification: Uncertain significance. Last evaluated: 2016-07-21. Review status: criteria provided, single submitter. Criteria: EGL Classification Definitions 2015. Collection method: clinical testing. Allele origin: germline. Observed: 1 variant allele, 1 heterozygote.

NM_005996.4(TBX3):c.1974C>T (p.Ala658=)

Gene: TBX3 (T-box transcription factor 3; minus strand). Cytogenetic location: 12q24.21.
Variant type: single nucleotide variant.
Coding change: c.1974C>T on transcript NM_005996.4 (MANE Select); coding-DNA position 1974, C replaced by T.
Protein change: p.Ala658=; no amino-acid change (alanine 658 retained).
Molecular consequence: synonymous variant.
Genome position (GRCh38, 1-based): chr12:114,672,039, G>A on the plus strand (C>T on the coding strand, the complement: TBX3 is on the minus strand). VCF-style: chr12-114672039-G-A. GRCh37 (hg19) VCF-style: chr12-115109844-G-A.
Other names: c.2034C>T, p.Ala678= (NM_016569.4).
Identifiers: ClinVar variation 288773 (VCV000288773.19), dbSNP rs370307666, ClinGen allele CA6809810.